The following is an entry in ClinVar:

ClinVar aggregate classification (germline): Uncertain significance. Review status: criteria provided, multiple submitters, no conflicts (2 of 4 stars). 2 submissions from 2 submitters: Uncertain significance (2). Last evaluated 2026-09-09.

Conditions:
PKD1-related disorder. Also called: PKD1-related condition.

Allele frequency attached by ClinVar (database versions not stated): 1000 Genomes Project 0.00100; 1000 Genomes Project 30x 0.00125.
gnomAD v4.1: 106 of 1,604,894 alleles (0.0066%); highest among the groups gnomAD compares: African/African-American, 0.13%; no homozygotes.

Submissions (2):

PreventionGenetics, part of Exact Sciences
Classification: Uncertain significance for PKD1-related condition. Last evaluated: 2026-09-09. Review status: criteria provided, single submitter. Criteria: ACMG Guidelines, 2015. Collection method: clinical testing. Allele origin: germline.
Comment: The PKD1 c.3101A>T variant is predicted to result in the amino acid substitution p.Asn1034Ile. This variant has been reported in an individual with autosomal dominant polycystic kidney disease (Liu et al. 2014. PubMed ID: 25531466). This variant has also been reported in the heterozygous state in a self-identified healthy adult as well as in two control individuals from a exome sequencing study (Supplement 4, Rasouly et al. 2019. PubMed ID: 30476936). This variant is reported in 0.12% of alleles in individuals of African descent in gnomAD. Although we suspect that this variant may be benign, at this time, the clinical significance of this variant is uncertain due to the absence of conclusive functional and genetic evidence.

GeneDx
Classification: Uncertain significance. Last evaluated: 2021-01-05. Review status: criteria provided, single submitter. Criteria: GeneDx Variant Classification Process June 2021. Collection method: clinical testing. Allele origin: germline. Affected: yes.
Comment: In silico analysis supports that this missense variant has a deleterious effect on protein structure/function; This variant is associated with the following publications: (PMID: 25531466)

NM_001009944.3(PKD1):c.3101A>T (p.Asn1034Ile)

Gene: PKD1 (polycystin 1, transient receptor potential channel interacting; minus strand). Cytogenetic location: 16p13.3.
Variant type: single nucleotide variant.
Coding change: c.3101A>T on transcript NM_001009944.3 (MANE Select); coding-DNA position 3101, A replaced by T.
Protein change: p.Asn1034Ile; replaces asparagine 1034 with isoleucine.
Molecular consequence: missense variant.
Genome position (GRCh38, 1-based): chr16:2,112,848, T>A on the plus strand (A>T on the coding strand, the complement: PKD1 is on the minus strand). VCF-style: chr16-2112848-T-A. GRCh37 (hg19) VCF-style: chr16-2162849-T-A.
Other names: c.3101A>T, p.Asn1034Ile (NM_000296.4); short protein forms N1034I.
Identifiers: ClinVar variation 1303241 (VCV001303241.3), dbSNP rs28681051, ClinGen allele CA7832955.